The following is an entry in ClinVar:

NM_020738.4(KIDINS220):c.2617A>G (p.Ile873Val)

Gene: KIDINS220 (kinase D interacting substrate 220; minus strand). Cytogenetic location: 2p25.1.
Variant type: single nucleotide variant.
Coding change: c.2617A>G on transcript NM_020738.4 (MANE Select); coding-DNA position 2617, A replaced by G.
Protein change: p.Ile873Val; replaces isoleucine 873 with valine.
Molecular consequence: missense variant. On other transcripts: non-coding transcript variant (2).
Genome position (GRCh38, 1-based): chr2:8,778,725, T>C on the plus strand (A>G on the coding strand, the complement: KIDINS220 is on the minus strand). VCF-style: chr2-8778725-T-C. GRCh37 (hg19) VCF-style: chr2-8918855-T-C.
Other names: c.2620A>G, p.Ile874Val (NM_001348739.2, NM_001348740.2, NM_001348745.2 and 3 more transcripts); c.2617A>G, p.Ile873Val (NM_001348741.2, NM_001348742.2, NM_001348743.2 and 3 more transcripts); c.2491A>G, p.Ile831Val (NM_001348736.2); short protein forms I873V, I831V, I874V.
Identifiers: ClinVar variation 3659751 (VCV003659751.2).

ClinVar aggregate classification (germline): Uncertain significance (1 of 4 stars; one submission).

Submission:

Labcorp Genetics (formerly Invitae), Labcorp
Classification: Uncertain significance. Last evaluated: 2024-07-17. Review status: criteria provided, single submitter. Criteria: Invitae Variant Classification Sherloc (09022015). Collection method: clinical testing. Allele origin: germline.
Comment: This sequence change replaces isoleucine, which is neutral and non-polar, with valine, which is neutral and non-polar, at codon 873 of the KIDINS220 protein (p.Ile873Val). This variant is not present in population databases (gnomAD no frequency). This variant has not been reported in the literature in individuals affected with KIDINS220-related conditions. An algorithm developed to predict the effect of missense changes on protein structure and function outputs the following: PolyPhen-2: "Benign". The valine amino acid residue is found in multiple mammalian species, which suggests that this missense change does not adversely affect protein function. In summary, the available evidence is currently insufficient to determine the role of this variant in disease. Therefore, it has been classified as a Variant of Uncertain Significance.